The following is an entry in ClinVar:

ClinVar aggregate classification (germline): Pathogenic (1 of 4 stars; one submission).

Conditions:
Anauxetic dysplasia. Identifiers: Orphanet 93347, MedGen C1846796, MONDO:0011773.

Submission:

Labcorp Genetics (formerly Invitae), Labcorp
Classification: Pathogenic for Anauxetic dysplasia. Last evaluated: 2024-01-29. Review status: criteria provided, single submitter. Criteria: Invitae Variant Classification Sherloc (09022015). Collection method: clinical testing. Allele origin: germline.
Comment: This variant occurs in the RMRP gene, which encodes an RNA molecule that does not result in a protein product. This variant is not present in population databases (gnomAD no frequency). While this particular variant has not been reported in the literature, it is located in the promoter region between the TATA box and the transcription initiation site, and other insertions and duplications immediately upstream of the coding sequence have been reported in individuals affected with cartilage-hair hypoplasia-anauxetic dysplasia (CHH-AD) spectrum disorders (PMID: 16244706, 11207361, 12107819). Experimental studies and prediction algorithms are not available or were not evaluated, and the functional significance of this variant is currently unknown. While functional studies for this variant have not been reported, experimental analyses using patient derived cells, as well as in vitro transfection studies, have shown that promoter insertions result in silencing of RMRP transcription and reduced expression of the gene product (PMID: 11207361, 16254002). For these reasons, this variant has been classified as Pathogenic.

Literature cited by the submitters: PubMed 16244706; PubMed 11207361; PubMed 12107819; PubMed 16254002.

NC_000009.12:g.35658038_35658039insGCCTCAGCTTCACAGAG

Gene: RMRP (RNA component of mitochondrial RNA processing endoribonuclease; minus strand). Cytogenetic location: 9p13.3.
Variant type: Insertion.
Genome position: GRCh38 VCF-style: chr9-35658022-T-TCCTCAGCTTCACAGAGG. GRCh37 (hg19) VCF-style: chr9-35658019-T-TCCTCAGCTTCACAGAGG.
Identifiers: ClinVar variation 3637404 (VCV003637404.2).